The following is an entry in ClinVar:

NM_032383.5(HPS3):c.2596dup (p.Ile866fs)

Genes: CP (ceruloplasmin; minus strand), HPS3 (HPS3 biogenesis of lysosomal organelles complex 2 subunit 1; plus strand). Cytogenetic location: 3q24.
Variant type: Duplication.
Coding change: c.2596dup on transcript NM_032383.5 (MANE Select); coding-DNA position 2596, one base duplicated (A; older notation c.2596dupA).
Protein change: p.Ile866fs; shifts the reading frame from isoleucine 866.
Molecular consequence: frameshift variant.
Genome position (GRCh38, 1-based): chr3:149,167,040, A duplicated. VCF-style (leftmost placement, unchanged base first): chr3-149167039-T-TA. GRCh37 (hg19) VCF-style: chr3-148884826-T-TA.
Other names: c.2101dup, p.Ile701fs (NM_001308258.2); short protein forms I701fs, I866fs.
Identifiers: ClinVar variation 5014566 (VCV005014566.1).
Genomic context (GRCh38, chr3:149,167,039, plus strand): 5'-GTGTTTTAGTTTTTGAGGTGCCTCATTTCATAACATTTCACTTTTCTGTTCATAGTCTCT[T>TA]ATATGTGGTCCTTCATTTGACATAGCTTCCATTATTCCGTTCTTGGAGCCACTTTCAGAA-3'

ClinVar aggregate classification (germline): Pathogenic (1 of 4 stars; one submission).

Conditions:
Hermansky-Pudlak syndrome 3 (HPS3). Identifiers: Orphanet 231512, Orphanet 79430, MedGen C3888001, MONDO:0013555, OMIM 614072.

Submission:

Myriad Genetics, Inc.
Classification: Pathogenic for Hermansky-Pudlak syndrome 3. Last evaluated: 2024-05-14. Review status: criteria provided, single submitter. Criteria: Myriad Autosomal Dominant, Autosomal Recessive and X-Linked Classification Criteria (2023). Collection method: clinical testing. Allele origin: unknown.
Comment: NM_032383.3(HPS3):c.2596dupA(I866Nfs*7) is expected to be pathogenic in the context of Hermansky-Pudlak syndrome, HPS3-related. This variant is predicted to lead to an abnormal or absent protein product due to the creation of a premature termination codon in HPS3, a gene where loss-of-function variants are known to be pathogenic. Please note: this variant was assessed in the context of healthy population screening.